The following is an entry in ClinVar:

NM_001101362.3(KBTBD13):c.82C>T (p.His28Tyr)

Gene: KBTBD13 (kelch repeat and BTB domain containing 13; plus strand). Cytogenetic location: 15q22.31.
Variant type: single nucleotide variant.
Coding change: c.82C>T on transcript NM_001101362.3 (MANE Select); coding-DNA position 82, C replaced by T.
Protein change: p.His28Tyr; replaces histidine 28 with tyrosine.
Molecular consequence: missense variant.
Genome position (GRCh38, 1-based): chr15:65,076,897, C>T. VCF-style: chr15-65076897-C-T. GRCh37 (hg19) VCF-style: chr15-65369235-C-T.
Other names: short protein forms H28Y.
Identifiers: ClinVar variation 857480 (VCV000857480.1), dbSNP rs2086976630, ClinGen allele CA392856148.

ClinVar aggregate classification (germline): Uncertain significance (1 of 4 stars; one submission).

Conditions:
Nemaline myopathy 6 (NEM6). Also called: Nemaline myopathy 6, autosomal dominant. Identifiers: Orphanet 171439, MedGen C1836472, MONDO:0012237, OMIM 609273.

Allele frequency attached by ClinVar (database versions not stated): gnomAD exomes below 0.00001; TOPMed below 0.00001; gnomAD 0.00001.

Submission:

Labcorp Genetics (formerly Invitae), Labcorp
Classification: Uncertain significance for Nemaline myopathy 6. Last evaluated: 2019-03-22. Review status: criteria provided, single submitter. Criteria: Invitae Variant Classification Sherloc (09022015). Collection method: clinical testing. Allele origin: germline.
Comment: This sequence change replaces histidine with tyrosine at codon 28 of the KBTBD13 protein (p.His28Tyr). The histidine residue is weakly conserved and there is a moderate physicochemical difference between histidine and tyrosine. This variant is not present in population databases (ExAC no frequency). This variant has not been reported in the literature in individuals with KBTBD13-related conditions. Algorithms developed to predict the effect of missense changes on protein structure and function (SIFT, PolyPhen-2, Align-GVGD) all suggest that this variant is likely to be tolerated, but these predictions have not been confirmed by published functional studies and their clinical significance is uncertain. In summary, the available evidence is currently insufficient to determine the role of this variant in disease. Therefore, it has been classified as a Variant of Uncertain Significance.